The following is an entry in ClinVar:

NM_017721.5(CC2D1A):c.1015A>C (p.Thr339Pro)

Gene: CC2D1A (coiled-coil and C2 domain containing 1A; plus strand). Cytogenetic location: 19p13.12.
Variant type: single nucleotide variant.
Coding change: c.1015A>C on transcript NM_017721.5 (MANE Select); coding-DNA position 1015, A replaced by C.
Protein change: p.Thr339Pro; replaces threonine 339 with proline.
Molecular consequence: missense variant.
Genome position (GRCh38, 1-based): chr19:13,918,814, A>C. VCF-style: chr19-13918814-A-C. GRCh37 (hg19) VCF-style: chr19-14029627-A-C.
Other names: short protein forms T339P.
Identifiers: ClinVar variation 128613 (VCV000128613.16), dbSNP rs11883041, ClinGen allele CA152188.
Genomic context (GRCh38, chr19:13,918,814, plus strand): 5'-CCCCCAGACCCACCGTCACCACCGTCGCAGCCTCCGACCCCCGCTACGGCGCCCTCCACA[A>C]CAGGTAGGTTCTGGGACCCTCTGGGGTTGGGGGCAGGCTGGAGCCAGACTGTCTACCCAT-3'
Protein context (NP_060191.3, residues 329-349): PPTPATAPST[Thr339Pro]EVPPPPRTLL

ClinVar aggregate classification (germline): Benign. Review status: criteria provided, multiple submitters, no conflicts (2 of 4 stars). 5 submissions from 5 submitters: Benign (3). 2 of the submissions do not count toward it. Last evaluated 2026-02-02.

Conditions:
CC2D1A-related disorder. Also called: CC2D1A-related condition.
Inborn genetic diseases. Identifiers: MedGen C0950123, MeSH D030342.

Allele frequency attached by ClinVar (database versions not stated): gnomAD exomes 0.01751 and 0.00725; ESP Exome Variant Server 0.05859; gnomAD 0.05997 and 0.06417; TOPMed 0.06780; 1000 Genomes Project 30x 0.06996; ExAC 0.02043; 1000 Genomes Project 0.06490.
gnomAD v4.1: 20,158 of 1,613,378 alleles (1.2%); highest among the groups gnomAD compares: African/African-American, 20%; 1,660 homozygotes.

Submissions (5):

Labcorp Genetics (formerly Invitae), Labcorp
Classification: Benign. Last evaluated: 2026-02-02. Review status: criteria provided, single submitter. Criteria: Invitae Variant Classification Sherloc (09022015). Collection method: clinical testing. Allele origin: germline.

Ambry Genetics
Classification: Benign for Inborn genetic diseases. Last evaluated: 2016-03-11. Review status: criteria provided, single submitter. Criteria: Ambry Variant Classification Scheme 2023. Collection method: clinical testing. Allele origin: germline.

Breakthrough Genomics
Classification: Benign. Review status: criteria provided, single submitter. Criteria: ACMG Guidelines, 2015. Collection method: not provided. Allele origin: germline. Inheritance: Autosomal recessive inheritance. Affected: yes.

PreventionGenetics, part of Exact Sciences
Classification: Benign for CC2D1A-related condition. Last evaluated: 2019-05-08. Review status: no assertion criteria provided. Collection method: clinical testing. Allele origin: germline. Not counted in ClinVar's aggregate classification.
Comment: This variant is classified as benign based on ACMG/AMP sequence variant interpretation guidelines (Richards et al. 2015 PMID: 25741868, with internal and published modifications).

Genetic Services Laboratory, University of Chicago
Classification: Likely benign for AllHighlyPenetrant. Review status: no assertion criteria provided. Collection method: clinical testing. Allele origin: germline. Inheritance: Autosomal recessive inheritance. Not counted in ClinVar's aggregate classification.
Comment: Likely benign based on allele frequency in 1000 Genomes Project or ESP global frequency and its presence in a patient with a rare or unrelated disease phenotype. NOT Sanger confirmed.